The following is an entry in ClinVar:

ClinVar aggregate classification (germline): Uncertain significance. Review status: criteria provided, multiple submitters, no conflicts (2 of 4 stars). 2 submissions from 2 submitters: Uncertain significance (2). Last evaluated 2024-04-03.

Conditions:
Arrhythmogenic right ventricular dysplasia 12. Also called: ARRHYTHMOGENIC RIGHT VENTRICULAR DYSPLASIA, FAMILIAL, 12. Identifiers: MedGen C1969081, MONDO:0012684, OMIM 611528.
Naxos disease (NXD). Also called: CARDIOMYOPATHY, ARRHYTHMOGENIC RIGHT VENTRICULAR, WITH SKIN, HAIR, AND NAIL ABNORMALITIES; WOOLLY HAIR, PALMOPLANTAR KERATODERMA, AND CARDIAC ABNORMALITIES; KERATOSIS PALMOPLANTARIS WITH ARRHYTHMOGENIC CARDIOMYOPATHY; MAL DE NAXOS; PALMOPLANTAR KERATODERMA WITH ARRHYTHMOGENIC RIGHT VENTRICULAR CARDIOMYOPATHY AND WOOLLY HAIR. Identifiers: Orphanet 34217, MedGen C1832600, MONDO:0011017, OMIM 601214.
Cardiovascular phenotype. Identifiers: MedGen CN230736.

Submissions (2):

Labcorp Genetics (formerly Invitae), Labcorp
Classification: Uncertain significance for Arrhythmogenic right ventricular dysplasia 12; Naxos disease. Last evaluated: 2024-04-03. Review status: criteria provided, single submitter. Criteria: Invitae Variant Classification Sherloc (09022015). Collection method: clinical testing. Allele origin: germline.
Comment: This sequence change replaces glycine, which is neutral and non-polar, with arginine, which is basic and polar, at codon 218 of the JUP protein (p.Gly218Arg). This variant is not present in population databases (gnomAD no frequency). This variant has not been reported in the literature in individuals affected with JUP-related conditions. ClinVar contains an entry for this variant (Variation ID: 643312). An algorithm developed to predict the effect of missense changes on protein structure and function (PolyPhen-2) suggests that this variant is likely to be disruptive. In summary, the available evidence is currently insufficient to determine the role of this variant in disease. Therefore, it has been classified as a Variant of Uncertain Significance.

Ambry Genetics
Classification: Uncertain significance for Cardiovascular phenotype. Last evaluated: 2022-04-20. Review status: criteria provided, single submitter. Criteria: Ambry Variant Classification Scheme 2023. Collection method: clinical testing. Allele origin: germline.
Comment: The p.G218R variant (also known as c.652G>C), located in coding exon 3 of the JUP gene, results from a G to C substitution at nucleotide position 652. The glycine at codon 218 is replaced by arginine, an amino acid with dissimilar properties. This amino acid position is highly conserved in available vertebrate species. In addition, this alteration is predicted to be deleterious by in silico analysis. Since supporting evidence is limited at this time, the clinical significance of this alteration remains unclear.

NM_002230.4(JUP):c.652G>C (p.Gly218Arg)

Gene: JUP (junction plakoglobin; minus strand). Cytogenetic location: 17q21.2.
Variant type: single nucleotide variant.
Coding change: c.652G>C on transcript NM_002230.4 (MANE Select); coding-DNA position 652, G replaced by C.
Protein change: p.Gly218Arg; replaces glycine 218 with arginine.
Molecular consequence: missense variant.
Genome position (GRCh38, 1-based): chr17:41,769,024, C>G on the plus strand (G>C on the coding strand, the complement: JUP is on the minus strand). VCF-style: chr17-41769024-C-G. GRCh37 (hg19) VCF-style: chr17-39925276-C-G.
Other names: c.652G>C, p.Gly218Arg (NM_001352773.2, NM_001352774.2, NM_001352775.2 and 3 more transcripts); short protein forms G218R.
Identifiers: ClinVar variation 643312 (VCV000643312.10), dbSNP rs1597823588, ClinGen allele CA399502650.